The following is an entry in ClinVar:

NM_004526.4(MCM2):c.442G>A (p.Ala148Thr)

Gene: MCM2 (minichromosome maintenance complex component 2; plus strand). Cytogenetic location: 3q21.3.
Variant type: single nucleotide variant.
Coding change: c.442G>A on transcript NM_004526.4 (MANE Select); coding-DNA position 442, G replaced by A.
Protein change: p.Ala148Thr; replaces alanine 148 with threonine.
Molecular consequence: missense variant. On other transcripts: non-coding transcript variant (1).
Genome position (GRCh38, 1-based): chr3:127,604,925, G>A. VCF-style: chr3-127604925-G-A. GRCh37 (hg19) VCF-style: chr3-127323768-G-A.
Other names: c.442G>A (NM_004526.2); short protein forms A148T.
Identifiers: ClinVar variation 3021305 (VCV003021305.4), dbSNP rs760067459, ClinGen allele CA2595586.
Genomic context (GRCh38, chr3:127,604,925, plus strand): 5'-CCGCAGTAGCAGGTGTCTCTTGCCTCCCCAGACAGCGATGAGGAGGACGAGGAGCGCCCT[G>A]CCCGCAAGCGCCGCCAGGTGGAGCGGGCCACGGAGGACGGCGAGGAGGACGAGGAGATGA-3'
Protein context (NP_004517.2, residues 138-158): DSDEEDEERP[Ala148Thr]RKRRQVERAT

ClinVar aggregate classification (germline): Uncertain significance. Review status: criteria provided, multiple submitters, no conflicts (2 of 4 stars). 2 submissions from 2 submitters: Uncertain significance (2). Last evaluated 2023-12-18.

Allele frequency attached by ClinVar (database versions not stated): gnomAD 0.00003; gnomAD exomes 0.00003; ExAC 0.00010.
gnomAD v4.1: 53 of 1,613,210 alleles (0.0033%); highest among the groups gnomAD compares: Middle Eastern, 0.066%; no homozygotes.

Submissions (2):

Labcorp Genetics (formerly Invitae), Labcorp
Classification: Uncertain significance. Last evaluated: 2023-12-18. Review status: criteria provided, single submitter. Criteria: Invitae Variant Classification Sherloc (09022015). Collection method: clinical testing. Allele origin: germline.
Comment: This sequence change replaces alanine, which is neutral and non-polar, with threonine, which is neutral and polar, at codon 148 of the MCM2 protein (p.Ala148Thr). This variant is present in population databases (rs760067459, gnomAD 0.05%), and has an allele count higher than expected for a pathogenic variant. This variant has not been reported in the literature in individuals affected with MCM2-related conditions. Algorithms developed to predict the effect of missense changes on protein structure and function output the following: SIFT: "Not Available"; PolyPhen-2: "Benign"; Align-GVGD: "Not Available". The threonine amino acid residue is found in multiple mammalian species, which suggests that this missense change does not adversely affect protein function. In summary, the available evidence is currently insufficient to determine the role of this variant in disease. Therefore, it has been classified as a Variant of Uncertain Significance.

Ambry Genetics
Classification: Uncertain significance. Last evaluated: 2022-02-10. Review status: criteria provided, single submitter. Criteria: Ambry Variant Classification Scheme 2023. Collection method: clinical testing. Allele origin: germline.